The following is an entry in ClinVar:

NM_173651.4(FSIP2):c.9363C>T (p.Ile3121=)

Genes: FSIP2 (fibrous sheath interacting protein 2; plus strand), FSIP2-AS1 (FSIP2 antisense RNA 1; minus strand). Cytogenetic location: 2q32.1.
Variant type: single nucleotide variant.
Coding change: c.9363C>T on transcript NM_173651.4 (MANE Select); coding-DNA position 9363, C replaced by T.
Protein change: p.Ile3121=; no amino-acid change (isoleucine 3121 retained).
Molecular consequence: synonymous variant.
Genome position (GRCh38, 1-based): chr2:185,796,499, C>T. VCF-style: chr2-185796499-C-T. GRCh37 (hg19) VCF-style: chr2-186661226-C-T.
Identifiers: ClinVar variation 3352490 (VCV003352490.1).
Genomic context (GRCh38, chr2:185,796,499, plus strand): 5'-AAGCCAAATGGAACCATCTTCAATTAGCATATTGAAAGAGAACATTGTAGCAAGTGAGAT[C>T]ATTGGCACACTAATGGACCAGTGTACTTATTTCAATGAGTCTTTGATACAAAACCTTTCA-3'
Protein context (NP_775922.3, residues 3111-3131): ILKENIVASE[Ile3121=]IGTLMDQCTY

ClinVar aggregate classification (germline): Likely benign (0 of 4 stars; one submission).

Conditions:
FSIP2-related disorder. Also called: FSIP2-related condition.

gnomAD v4.1: 1 of 1,534,988 alleles (0.000065%); highest among the groups gnomAD compares: Non-Finnish European, 0.000087%; no homozygotes.

Submission:

PreventionGenetics, part of Exact Sciences
Classification: Likely benign for FSIP2-related condition. Last evaluated: 2019-06-18. Review status: no assertion criteria provided. Collection method: clinical testing. Allele origin: germline.
Comment: This variant is classified as likely benign based on ACMG/AMP sequence variant interpretation guidelines (Richards et al. 2015 PMID: 25741868, with internal and published modifications).